The following is an entry in ClinVar:

NM_016579.4(CD320):c.143-11C>T

Gene: CD320 (CD320 molecule; minus strand). Cytogenetic location: 19p13.2.
Variant type: single nucleotide variant.
Coding change: c.143-11C>T on transcript NM_016579.4 (MANE Select); 11 bases into the intron before coding-DNA position 143, C replaced by T.
Molecular consequence: intron variant.
Genome position (GRCh38, 1-based): chr19:8,305,167, G>A on the plus strand (C>T on the coding strand, the complement: CD320 is on the minus strand). VCF-style: chr19-8305167-G-A. GRCh37 (hg19) VCF-style: chr19-8370051-G-A.
Other names: c.143-1079C>T (NM_001165895.2).
Identifiers: ClinVar variation 511796 (VCV000511796.10), dbSNP rs116345590, ClinGen allele CA9154823.

ClinVar aggregate classification (germline): Benign/Likely benign. Review status: criteria provided, multiple submitters, no conflicts (2 of 4 stars). 3 submissions from 3 submitters: Benign (1); Likely benign (2). Last evaluated 2025-11-27.

Conditions:
Methylmalonic acidemia due to transcobalamin receptor defect (MATR). Also called: METHYLMALONIC ACIDURIA, TRANSIENT, DUE TO TRANSCOBALAMIN RECEPTOR DEFECT; METHYLMALONIC ACIDEMIA, TCblR TYPE. Identifiers: Orphanet 280183, MedGen C4749905, MONDO:0013341, OMIM 613646.

Allele frequency attached by ClinVar (database versions not stated): gnomAD exomes 0.00029 and 0.00084; ExAC 0.00140; gnomAD 0.00303 and 0.00321; TOPMed 0.00342; 1000 Genomes Project 0.00419; 1000 Genomes Project 30x 0.00422; ESP Exome Variant Server 0.00439.
gnomAD v4.1: 901 of 1,588,864 alleles (0.057%); highest among the groups gnomAD compares: African/African-American, 0.99%; 6 homozygotes.

Submissions (3):

Labcorp Genetics (formerly Invitae), Labcorp
Classification: Benign for Methylmalonic acidemia due to transcobalamin receptor defect. Last evaluated: 2025-11-27. Review status: criteria provided, single submitter. Criteria: Invitae Variant Classification Sherloc (09022015). Collection method: clinical testing. Allele origin: germline.

Blueprint Genetics
Classification: Likely benign. Last evaluated: 2024-08-06. Review status: criteria provided, single submitter. Criteria: ACMG Guidelines, 2015. Collection method: clinical testing. Allele origin: germline.

GeneDx
Classification: Likely benign. Last evaluated: 2017-08-31. Review status: criteria provided, single submitter. Criteria: GeneDx Variant Classification (06012015). Collection method: clinical testing. Allele origin: germline. Affected: yes.
Comment: This variant is considered likely benign or benign based on one or more of the following criteria: it is a conservative change, it occurs at a poorly conserved position in the protein, it is predicted to be benign by multiple in silico algorithms, and/or has population frequency not consistent with disease.